The following is an entry in ClinVar:

NM_001278116.2(L1CAM):c.995C>T (p.Ala332Val)

Gene: L1CAM (L1 cell adhesion molecule; minus strand). Cytogenetic location: Xq28.
Variant type: single nucleotide variant.
Coding change: c.995C>T on transcript NM_001278116.2 (MANE Select); coding-DNA position 995, C replaced by T.
Protein change: p.Ala332Val; replaces alanine 332 with valine.
Molecular consequence: missense variant.
Genome position (GRCh38, 1-based): chrX:153,869,931, G>A on the plus strand (C>T on the coding strand, the complement: L1CAM is on the minus strand). VCF-style: chrX-153869931-G-A. GRCh37 (hg19) VCF-style: chrX-153135386-G-A.
Other names: c.995C>T, p.Ala332Val (NM_000425.5, NM_024003.3); c.980C>T, p.Ala327Val (NM_001143963.2); short protein forms A327V, A332V.
Identifiers: ClinVar variation 4802218 (VCV004802218.1).

ClinVar aggregate classification (germline): Uncertain significance (1 of 4 stars; one submission).

Conditions:
Spastic paraplegia. Identifiers: MedGen C0037772, HP:0001258.

Submission:

Labcorp Genetics (formerly Invitae), Labcorp
Classification: Uncertain significance for Spastic paraplegia. Last evaluated: 2025-08-06. Review status: criteria provided, single submitter. Criteria: Invitae Variant Classification Sherloc (09022015). Collection method: clinical testing. Allele origin: germline.
Comment: This sequence change replaces alanine, which is neutral and non-polar, with valine, which is neutral and non-polar, at codon 332 of the L1CAM protein (p.Ala332Val). This variant is not present in population databases (gnomAD no frequency). This variant has not been reported in the literature in individuals affected with L1CAM-related conditions. Invitae Evidence Modeling of protein sequence and biophysical properties (such as structural, functional, and spatial information, amino acid conservation, physicochemical variation, residue mobility, and thermodynamic stability) has been performed for this missense variant. However, the output from this modeling did not meet the statistical confidence thresholds required to predict the impact of this variant on L1CAM protein function. In summary, the available evidence is currently insufficient to determine the role of this variant in disease. Therefore, it has been classified as a Variant of Uncertain Significance.